The following is an entry in ClinVar:

ClinVar aggregate classification (germline): Uncertain significance (1 of 4 stars; one submission).

gnomAD v4.1: 1 of 1,614,116 alleles (0.000062%); no homozygotes.

Submission:

Labcorp Genetics (formerly Invitae), Labcorp
Classification: Uncertain significance. Last evaluated: 2021-12-03. Review status: criteria provided, single submitter. Criteria: Invitae Variant Classification Sherloc (09022015). Collection method: clinical testing. Allele origin: germline.
Comment: This sequence change replaces alanine, which is neutral and non-polar, with valine, which is neutral and non-polar, at codon 1603 of the SRCAP protein (p.Ala1603Val). This variant is not present in population databases (gnomAD no frequency). This variant has not been reported in the literature in individuals affected with SRCAP-related conditions. Algorithms developed to predict the effect of missense changes on protein structure and function are either unavailable or do not agree on the potential impact of this missense change (SIFT: "Tolerated"; PolyPhen-2: "Possibly Damaging"; Align-GVGD: "Class C0"). In summary, the available evidence is currently insufficient to determine the role of this variant in disease. Therefore, it has been classified as a Variant of Uncertain Significance.

NM_006662.3(SRCAP):c.4808C>T (p.Ala1603Val)

Gene: SRCAP (Snf2 related CREBBP activator protein; plus strand). Cytogenetic location: 16p11.2.
Variant type: single nucleotide variant.
Coding change: c.4808C>T on transcript NM_006662.3 (MANE Select); coding-DNA position 4808, C replaced by T.
Protein change: p.Ala1603Val; replaces alanine 1603 with valine.
Molecular consequence: missense variant.
Genome position (GRCh38, 1-based): chr16:30,724,232, C>T. VCF-style: chr16-30724232-C-T. GRCh37 (hg19) VCF-style: chr16-30735553-C-T.
Other names: short protein forms A1603V.
Identifiers: ClinVar variation 1396314 (VCV001396314.6), dbSNP rs2151294297, ClinGen allele CA395616682.